The following is an entry in ClinVar:

ClinVar aggregate classification (germline): Uncertain significance (1 of 4 stars; one submission).

Conditions:
Hereditary cancer-predisposing syndrome. Also called: Neoplastic Syndromes, Hereditary; Tumor predisposition; Hereditary neoplastic syndrome; Hereditary Cancer Syndrome. Identifiers: Orphanet 140162, MedGen C0027672, MeSH D009386, MONDO:0015356.

Submission:

Ambry Genetics
Classification: Uncertain significance for Hereditary cancer-predisposing syndrome. Last evaluated: 2023-11-09. Review status: criteria provided, single submitter. Criteria: Ambry Variant Classification Scheme 2023. Collection method: clinical testing. Allele origin: germline.
Comment: The p.Q98H variant (also known as c.294G>T), located in coding exon 2 of the CDK4 gene, results from a G to T substitution at nucleotide position 294. The glutamine at codon 98 is replaced by histidine, an amino acid with highly similar properties. This amino acid position is conserved. In addition, this alteration is predicted to be tolerated by in silico analysis. Since supporting evidence is limited at this time, the clinical significance of this alteration remains unclear.

NM_000075.4(CDK4):c.294G>T (p.Gln98His)

Gene: CDK4 (cyclin dependent kinase 4; minus strand). Cytogenetic location: 12q14.1.
Variant type: single nucleotide variant.
Coding change: c.294G>T on transcript NM_000075.4 (MANE Select); coding-DNA position 294, G replaced by T.
Protein change: p.Gln98His; replaces glutamine 98 with histidine.
Molecular consequence: missense variant.
Genome position (GRCh38, 1-based): chr12:57,751,267, C>A on the plus strand (G>T on the coding strand, the complement: CDK4 is on the minus strand). VCF-style: chr12-57751267-C-A. GRCh37 (hg19) VCF-style: chr12-58145050-C-A.
Other names: short protein forms Q98H.
Identifiers: ClinVar variation 3230232 (VCV003230232.1), dbSNP rs1955234097, ClinGen allele CA385547869.